The following is an entry in ClinVar:

NC_000002.11:g.(?_44200726)_(44204435_?)dup

Gene: LRPPRC (leucine rich pentatricopeptide repeat containing; minus strand). Cytogenetic location: 2p21.
Variant type: Duplication.
Identifiers: ClinVar variation 2427209 (VCV002427209.4).

ClinVar aggregate classification (germline): Uncertain significance (1 of 4 stars; one submission).

Submission:

Labcorp Genetics (formerly Invitae), Labcorp
Classification: Uncertain significance. Last evaluated: 2022-09-27. Review status: criteria provided, single submitter. Criteria: Invitae Variant Classification Sherloc (09022015). Collection method: clinical testing. Allele origin: germline.
Comment: Experimental studies and prediction algorithms are not available or were not evaluated, and the functional significance of this variant is currently unknown. This variant has not been reported in the literature in individuals affected with LRPPRC-related conditions. This variant results in a copy number gain of the genomic region encompassing exon(s) 4-11 of the LRPPRC gene. While the exact position of this variant cannot be determined from the data, sub-genic copy number gains are generally in tandem (PMID: 25640679). This variant is predicted to be in-frame, and likely preserves the integrity of the reading frame. In summary, the available evidence is currently insufficient to determine the role of this variant in disease. Therefore, it has been classified as a Variant of Uncertain Significance.

Literature cited by the submitters: PubMed 25640679.